The following is an entry in ClinVar:

ClinVar aggregate classification (germline): Pathogenic (1 of 4 stars; one submission).

Conditions:
Familial cancer of breast. Also called: Hereditary breast cancer; hereditary breast carcinoma; BREAST CANCER, FAMILIAL. Identifiers: Orphanet 227535, MedGen C0346153, MONDO:0016419, OMIM 114480. Disease mechanism: loss of function.

Submission:

Labcorp Genetics (formerly Invitae), Labcorp
Classification: Pathogenic for Hereditary Breast Carcinoma. Last evaluated: 2019-07-02. Review status: criteria provided, single submitter. Criteria: Invitae Variant Classification Sherloc (09022015). Collection method: clinical testing. Allele origin: germline.
Comment: This variant is a gross deletion of the genomic region encompassing exons 12-13 of the PALB2 gene. The 5' boundary is likely confined to intron 11. The 3' end of this event is unknown as it extends through the termination codon beyond the assayed region for this gene and may encompass additional genes. While this deletion is not anticipated to result in nonsense mediated decay, it is expected to create a truncated protein product or disrupt mRNA translation. A deletion of exons 12-13 has been reported in the literature in an individual affected with breast and pancreatic cancer (PMID: 19635604). This deletion eliminates a portion of the WD40 functional domain, which is encoded by exons 7 to 13 of the PALB2 mRNA. The entire WD40 domain is known to be required for normal PALB2 protein function (PMID: 19423707, 16793542, 17200671), and loss-of-function mutations that disrupt this domain have been classified as pathogenic (Invitae). Loss-of-function variants in PALB2 are known to be pathogenic (PMID: 17200668, 24136930, 25099575). For these reasons, this deletion has been classified as Pathogenic.

Literature cited by the submitters: PubMed 19423707; PubMed 17200671; PubMed 16793542; PubMed 19635604.

NC_000016.10:g.(?_23603449)_(23608022_?)del

Gene: PALB2 (partner and localizer of BRCA2; minus strand). Cytogenetic location: 16p12.2.
Variant type: Deletion.
Identifiers: ClinVar variation 584112 (VCV000584112.4).